The following is an entry in ClinVar:

ClinVar aggregate classification (germline): Pathogenic (1 of 4 stars; one submission).

Submission:

Quest Diagnostics Nichols Institute San Juan Capistrano
Classification: Pathogenic. Last evaluated: 2021-06-11. Review status: criteria provided, single submitter. Criteria: Quest Diagnostics criteria. Collection method: clinical testing. Allele origin: unknown.
Comment: A similar deletion of exons 2-11 in the APC gene is predicted to cause the premature termination of APC protein synthesis. To the best of our knowledge, the variant has not been reported in individuals affected with APC-related diseases in the published literature. Based on the available information, the variant is classified as pathogenic.

NM_000038.5:c.136_1486del

Gene: APC (APC regulator of WNT signaling pathway; plus strand).
Variant type: Deletion.
Identifiers: ClinVar variation 1809527 (VCV001809527.1).